The following is an entry in ClinVar:

ClinVar aggregate classification (germline): Conflicting classifications of pathogenicity. Review status: criteria provided, conflicting classifications (1 of 4 stars). 9 submissions from 9 submitters: Uncertain significance (7); Likely benign (1). 1 of the submissions does not count toward it. Last evaluated 2025-11-10.

Conditions:
Breast and/or ovarian cancer. Identifiers: MedGen CN221562.
Hereditary cancer-predisposing syndrome. Also called: Neoplastic Syndromes, Hereditary; Tumor predisposition; Hereditary Cancer Syndrome; Hereditary neoplastic syndrome. Identifiers: Orphanet 140162, MedGen C0027672, MeSH D009386, MONDO:0015356.
Familial cancer of breast. Also called: BREAST CANCER, FAMILIAL; hereditary breast carcinoma; Hereditary breast cancer. Identifiers: Orphanet 227535, MedGen C0346153, MONDO:0016419, OMIM 114480. Disease mechanism: loss of function.

Allele frequency attached by ClinVar (database versions not stated): gnomAD exomes 0.00001; ExAC 0.00002; ESP Exome Variant Server 0.00015.
gnomAD v4.1: 8 of 1,614,082 alleles (0.0005%); highest among the groups gnomAD compares: African/African-American, 0.0013%; no homozygotes.

Submissions (9):

Labcorp Genetics (formerly Invitae), Labcorp
Classification: Uncertain significance for Familial cancer of breast. Last evaluated: 2025-11-10. Review status: criteria provided, single submitter. Criteria: Invitae Variant Classification Sherloc (09022015). Collection method: clinical testing. Allele origin: germline.
Comment: This sequence change replaces glycine, which is neutral and non-polar, with arginine, which is basic and polar, at codon 1021 of the PALB2 protein (p.Gly1021Arg). This variant is present in population databases (rs143808171, gnomAD 0.002%). This missense change has been observed in individual(s) with a personal and/or family history of breast cancer (PMID: 25575445, 35610400). ClinVar contains an entry for this variant (Variation ID: 230665). Invitae Evidence Modeling of protein sequence and biophysical properties (such as structural, functional, and spatial information, amino acid conservation, physicochemical variation, residue mobility, and thermodynamic stability) indicates that this missense variant is expected to disrupt PALB2 protein function with a positive predictive value of 80%. Experimental studies have shown that this missense change does not substantially affect PALB2 function (PMID: 31636395). In summary, the available evidence is currently insufficient to determine the role of this variant in disease. Therefore, it has been classified as a Variant of Uncertain Significance.

Ambry Genetics
Classification: Uncertain significance for Hereditary cancer-predisposing syndrome. Last evaluated: 2025-10-29. Review status: criteria provided, single submitter. Criteria: Ambry Variant Classification Scheme 2023. Collection method: clinical testing. Allele origin: germline.
Comment: The p.G1021R variant (also known as c.3061G>A), located in coding exon 10 of the PALB2 gene, results from a G to A substitution at nucleotide position 3061. The glycine at codon 1021 is replaced by arginine, an amino acid with dissimilar properties. This alteration was identified in 1/1240 probands from the Breast Cancer Family Registry who had previously screened negative for BRCA1 and BRCA2 mutations (Nguyen-Dumont T et al. Breast Cancer Res. Treat., 2015 Jan;149:547-54). This alteration was also found to be functional in a homology-directed DNA repair (HDR) assay (Wiltshire T et al. Genet. Med., 2020 Mar;22:622-632). This amino acid position is highly conserved in available vertebrate species. In addition, the in silico prediction for this alteration is inconclusive. Since supporting evidence is limited at this time, the clinical significance of this alteration remains unclear.

Color Diagnostics, LLC DBA Color Health
Classification: Uncertain significance for Hereditary cancer-predisposing syndrome. Last evaluated: 2025-07-10. Review status: criteria provided, single submitter. Criteria: ACMG Guidelines, 2015. Collection method: clinical testing. Allele origin: germline.
Comment: This missense variant replaces glycine with arginine at codon 1021 of the PALB2 protein. Computational prediction suggests that this variant may not impact protein structure and function. A functional study has shown the mutant protein to exhibit 80% of wild-type activity in a homology-directed repair assay (PMID: 31636395). This variant has been reported in an individual affected with pancreatic cancer (PMID: 33127389). This variant has been identified in 2/251450 chromosomes in the general population by the Genome Aggregation Database (gnomAD). The available evidence is insufficient to determine the role of this variant in disease conclusively. Therefore, this variant is classified as a Variant of Uncertain Significance.

Quest Diagnostics Nichols Institute San Juan Capistrano
Classification: Uncertain significance. Last evaluated: 2025-02-18. Review status: criteria provided, single submitter. Criteria: Quest Diagnostics criteria. Collection method: clinical testing. Allele origin: unknown.
Comment: The PALB2 c.3061G>A (p.Gly1021Arg) variant has been reported in the published literature in individuals/families affected with breast and/or ovarian cancer (PMIDs: 25575445 (2015), 35610400 (2022)). One functional study observed somewhat reduced DNA repair activity comparable to the wild-type (80%) (PMID: 31636395 (2020)), however further research is needed. The frequency of this variant in the general population (Genome Aggregation Database) is uninformative in the assessment of its pathogenicity. Analysis of this variant using bioinformatics tools for the prediction of the effect of amino acid changes on protein structure and function yielded conflicting predictions that this variant is benign or damaging. Based on the available information, we are unable to determine the clinical significance of this variant.

GeneDx
Classification: Uncertain significance. Last evaluated: 2023-09-13. Review status: criteria provided, single submitter. Criteria: GeneDx Variant Classification Process June 2021. Collection method: clinical testing. Allele origin: germline. Affected: yes.
Comment: Not observed at significant frequency in large population cohorts (gnomAD); In silico analysis supports that this missense variant has a deleterious effect on protein structure/function; Published functional studies suggest an intermediate effect on homology-directed repair (HDR) activity (Wiltshire et al., 2020); Observed in individuals with a personal and family history suggestive of hereditary breast and ovarian cancer (Nguyen-Dumont et al., 2015; Gonzalez et al., 2022); This variant is associated with the following publications: (PMID: 25575445, 31636395, 33195396, 35610400)

Myriad Genetics, Inc.
Classification: Likely benign for Familial cancer of breast. Last evaluated: 2023-03-30. Review status: criteria provided, single submitter. Criteria: Myriad Autosomal Dominant, Autosomal Recessive and X-Linked Classification Criteria (2023). Collection method: clinical testing. Allele origin: unknown.
Comment: This variant is considered likely benign. This variant is strongly associated with less severe personal and family histories of cancer, typical for individuals without pathogenic variants in this gene [PMID: 25085752].

Women's Health and Genetics/Laboratory Corporation of America, LabCorp
Classification: Uncertain significance. Last evaluated: 2022-05-19. Review status: criteria provided, single submitter. Criteria: LabCorp Variant Classification Summary - May 2015. Collection method: clinical testing. Allele origin: germline.
Comment: Variant summary: PALB2 c.3061G>A (p.Gly1021Arg) results in a non-conservative amino acid change located in the WD40 domain (IPR031920) of the encoded protein sequence. Four of five in-silico tools predict a damaging effect of the variant on protein function. The variant allele was found at a frequency of 8e-06 in 251450 control chromosomes (gnomAD). The available data on variant occurrences in the general population are insufficient to allow any conclusion about variant significance. c.3061G>A has been reported in the literature in an individual (who was negative for BRCA1 and BRCA2 mutations) with a personal and/or family history of breast cancer (Nguyen-Dumont_2015). This report does not provide unequivocal conclusions about association of the variant with Hereditary Breast and Ovarian Cancer Syndrome. At least one publication reported experimental evidence evaluating an impact on protein function, and demonstrated this missense change did not significantly affect PALB2 function in in a homology-directed DNA repair (HDR) assay (Wiltshire_2019). Five clinical diagnostic laboratories have submitted clinical-significance assessments for this variant to ClinVar after 2014 without evidence for independent evaluation. All laboratories classified the variant as uncertain significance. Based on the evidence outlined above, the variant was classified as VUS-possibly benign.

CHEO Genetics Diagnostic Laboratory, Children's Hospital of Eastern Ontario
Classification: Uncertain significance for Breast and/or ovarian cancer. Last evaluated: 2020-01-10. Review status: criteria provided, single submitter. Criteria: ACMG Guidelines, 2015. Collection method: clinical testing. Allele origin: germline.

Counsyl
Classification: Uncertain significance for Familial cancer of breast. Last evaluated: 2017-05-10. Review status: no assertion criteria provided. Collection method: clinical testing. Allele origin: unknown. Not counted in ClinVar's aggregate classification.

Literature cited by the submitters: PubMed 25575445 (cited by 5 submitters); PubMed 35610400 (cited by Labcorp Genetics (formerly Invitae), Labcorp and Quest Diagnostics Nichols Institute San Juan Capistrano); PubMed 31636395 (cited by 5 submitters); PubMed 33127389 (cited by Color Diagnostics, LLC DBA Color Health and Quest Diagnostics Nichols Institute San Juan Capistrano); PubMed 33195396 (cited by Quest Diagnostics Nichols Institute San Juan Capistrano and Women's Health and Genetics/Laboratory Corporation of America, LabCorp); PubMed 33139182 (cited by Quest Diagnostics Nichols Institute San Juan Capistrano and Women's Health and Genetics/Laboratory Corporation of America, LabCorp); PubMed 32373528 (cited by Quest Diagnostics Nichols Institute San Juan Capistrano); PubMed 30638972 (cited by Quest Diagnostics Nichols Institute San Juan Capistrano); PubMed 34092963 (cited by Quest Diagnostics Nichols Institute San Juan Capistrano); PubMed 38153744 (cited by Quest Diagnostics Nichols Institute San Juan Capistrano); PubMed 39427061 (cited by Quest Diagnostics Nichols Institute San Juan Capistrano); PubMed 25085752 (cited by Myriad Genetics, Inc.).

NM_024675.4(PALB2):c.3061G>A (p.Gly1021Arg)

Gene: PALB2 (partner and localizer of BRCA2; minus strand). Cytogenetic location: 16p12.2.
Variant type: single nucleotide variant.
Coding change: c.3061G>A on transcript NM_024675.4 (MANE Select); coding-DNA position 3061, G replaced by A.
Protein change: p.Gly1021Arg; replaces glycine 1021 with arginine.
Molecular consequence: missense variant.
Genome position (GRCh38, 1-based): chr16:23,621,414, C>T on the plus strand (G>A on the coding strand, the complement: PALB2 is on the minus strand). VCF-style: chr16-23621414-C-T. GRCh37 (hg19) VCF-style: chr16-23632735-C-T.
Other names: short protein forms G1021R.
Identifiers: ClinVar variation 230665 (VCV000230665.26), dbSNP rs143808171, ClinGen allele CA7963440.